The following is an entry in ClinVar:

NM_001244008.2(KIF1A):c.5105G>T (p.Arg1702Leu)

Gene: KIF1A (kinesin family member 1A; minus strand). Cytogenetic location: 2q37.3.
Variant type: single nucleotide variant.
Coding change: c.5105G>T on transcript NM_001244008.2 (MANE Select); coding-DNA position 5105, G replaced by T.
Protein change: p.Arg1702Leu; replaces arginine 1702 with leucine.
Molecular consequence: missense variant.
Genome position (GRCh38, 1-based): chr2:240,719,115, C>A on the plus strand (G>T on the coding strand, the complement: KIF1A is on the minus strand). VCF-style: chr2-240719115-C-A. GRCh37 (hg19) VCF-style: chr2-241658532-C-A.
Other names: c.4829G>T, p.Arg1610Leu (NM_001320705.2, NM_001379649.1); c.4856G>T, p.Arg1619Leu (NM_001330289.2); c.4904G>T, p.Arg1635Leu (NM_001330290.2, NM_001379648.1); c.5180G>T, p.Arg1727Leu (NM_001379631.1); c.5081G>T, p.Arg1694Leu (NM_001379632.1); c.5078G>T, p.Arg1693Leu (NM_001379633.1, NM_001379645.1); c.4931G>T, p.Arg1644Leu (NM_001379634.1); c.4928G>T, p.Arg1643Leu (NM_001379635.1, NM_001379646.1); and 7 more; short protein forms R1600L, R1601L, R1609L, R1610L, R1618L, R1619L, R1626L, R1635L.
Identifiers: ClinVar variation 3369353 (VCV003369353.1).

ClinVar aggregate classification (germline): Uncertain significance (1 of 4 stars; one submission).

gnomAD v4.1: 1 of 1,612,488 alleles (0.000062%); highest among the groups gnomAD compares: Non-Finnish European, 0.000085%; no homozygotes.

Submission:

GeneDx
Classification: Uncertain significance. Last evaluated: 2024-02-20. Review status: criteria provided, single submitter. Criteria: GeneDx Variant Classification Process June 2021. Collection method: clinical testing. Allele origin: germline. Affected: yes.
Comment: Not observed at significant frequency in large population cohorts (gnomAD); In silico analysis supports that this missense variant has a deleterious effect on protein structure/function; Has not been previously published as pathogenic or benign to our knowledge; This variant is associated with the following publications: (PMID: 21376300, 21820098, 2612503)